The following is an entry in ClinVar:

NM_001369.3(DNAH5):c.4256del (p.Tyr1419fs)

Genes: DNAH5 (dynein axonemal heavy chain 5; minus strand), DNAH5-AS1 (DNAH5 antisense RNA 1; plus strand). Cytogenetic location: 5p15.2.
Variant type: Deletion.
Coding change: c.4256del on transcript NM_001369.3 (MANE Select); coding-DNA position 4256, one base deleted (A; older notation c.4256delA).
Protein change: p.Tyr1419fs; shifts the reading frame from tyrosine 1419.
Molecular consequence: frameshift variant.
Genome position (GRCh38, 1-based): chr5:13,865,767, T deleted on the plus strand (A on the coding strand, the reverse complement: DNAH5 is on the minus strand). VCF-style (leftmost placement, unchanged base first): chr5-13865766-GT-G. GRCh37 (hg19) VCF-style: chr5-13865875-GT-G.
Other names: short protein forms Y1419fs.
Identifiers: ClinVar variation 1724462 (VCV001724462.2), dbSNP rs2546982776, ClinGen allele CA2580072119.

ClinVar aggregate classification (germline): Likely pathogenic (1 of 4 stars; one submission).

Conditions:
Primary ciliary dyskinesia 3. Identifiers: Orphanet 244, MedGen C1837618, MONDO:0012085, OMIM 608644.

Submission:

Myriad Genetics, Inc.
Classification: Likely pathogenic for Primary ciliary dyskinesia 3. Last evaluated: 2022-02-17. Review status: criteria provided, single submitter. Criteria: Myriad Women's Health Autosomal Recessive and X-Linked Classification Criteria (2021). Collection method: clinical testing. Allele origin: unknown.
Comment: NM_001369.2(DNAH5):c.4256delA(Y1419Sfs*5) is expected to be pathogenic in the context of DNAH5-related primary ciliary dyskinesia. This variant is predicted to lead to an abnormal or absent protein product due to the creation of a premature termination codon in DNAH5, a gene where loss-of-function variants are known to be pathogenic. Please note: this variant was assessed in the context of healthy population screening.